The following is an entry in ClinVar:

NM_000138.5(FBN1):c.2806C>T (p.Gln936Ter)

Gene: FBN1 (fibrillin 1; minus strand). Cytogenetic location: 15q21.1.
Variant type: single nucleotide variant.
Coding change: c.2806C>T on transcript NM_000138.5 (MANE Select); coding-DNA position 2806, C replaced by T.
Protein change: p.Gln936Ter; replaces glutamine 936 with a stop codon.
Molecular consequence: nonsense.
Genome position (GRCh38, 1-based): chr15:48,492,509, G>A on the plus strand (C>T on the coding strand, the complement: FBN1 is on the minus strand). VCF-style: chr15-48492509-G-A. GRCh37 (hg19) VCF-style: chr15-48784706-G-A.
Other names: p.Q936X:CAG>TAG; short protein forms Q936*.
Identifiers: ClinVar variation 200003 (VCV000200003.9), dbSNP rs794728197, ClinGen allele CA013419.

ClinVar aggregate classification (germline): Pathogenic/Likely pathogenic. Review status: criteria provided, multiple submitters, no conflicts (2 of 4 stars). 2 submissions from 2 submitters: Pathogenic (1); Likely pathogenic (1). Last evaluated 2025-07-14.

Conditions:
Marfan syndrome (MFS). Also called: Marfan syndrome, classic; FBN1-Related Marfan Syndrome; Marfan syndrome type 1; Marfan's syndrome; MARFAN SYNDROME, TYPE I. Identifiers: Orphanet 284963, Orphanet 558, MedGen C0024796, MONDO:0007947, OMIM 154700.
Familial thoracic aortic aneurysm and aortic dissection (TAAD). Also called: Thoracic aortic aneurysms and dissections. Identifiers: Orphanet 91387, MedGen C4707243, MONDO:0019625.

Submissions (2):

GeneDx
Classification: Likely pathogenic. Last evaluated: 2025-07-14. Review status: criteria provided, single submitter. Criteria: GeneDx Variant Classification Process June 2021. Collection method: clinical testing. Allele origin: germline. Affected: yes.
Comment: Nonsense variant predicted to result in protein truncation or nonsense mediated decay in a gene for which loss of function is a known mechanism of disease; Not observed at significant frequency in large population cohorts (gnomAD); Has not been previously published as pathogenic or benign to our knowledge

Labcorp Genetics (formerly Invitae), Labcorp
Classification: Pathogenic for Marfan syndrome; Familial thoracic aortic aneurysm and aortic dissection. Last evaluated: 2024-01-15. Review status: criteria provided, single submitter. Criteria: Invitae Variant Classification Sherloc (09022015). Collection method: clinical testing. Allele origin: germline.
Comment: This sequence change creates a premature translational stop signal (p.Gln936*) in the FBN1 gene. It is expected to result in an absent or disrupted protein product. Loss-of-function variants in FBN1 are known to be pathogenic (PMID: 17657824, 19293843). This variant is not present in population databases (gnomAD no frequency). This variant has not been reported in the literature in individuals affected with FBN1-related conditions. ClinVar contains an entry for this variant (Variation ID: 200003). For these reasons, this variant has been classified as Pathogenic.

Literature cited by the submitters: PubMed 17657824 (cited by Labcorp Genetics (formerly Invitae), Labcorp); PubMed 19293843 (cited by Labcorp Genetics (formerly Invitae), Labcorp).